The following is an entry in ClinVar:

ClinVar aggregate classification (germline): Pathogenic/Likely pathogenic. Review status: criteria provided, multiple submitters, no conflicts (2 of 4 stars). 3 submissions from 3 submitters: Pathogenic (1); Likely pathogenic (2). Last evaluated 2026-01-12.

Conditions:
Autosomal recessive nonsyndromic hearing loss 31. Also called: WHIRLER, MOUSE, HOMOLOG OF. Identifiers: Orphanet 90636, MedGen C1846839, MONDO:0011767, OMIM 607084.
Usher syndrome type 2D. Also called: USHER SYNDROME, TYPE IID. Identifiers: Orphanet 231178, Orphanet 886, MedGen C1568249, MONDO:0012662, OMIM 611383.

Allele frequency attached by ClinVar (database versions not stated): gnomAD below 0.00001 and 0.00001; TOPMed below 0.00001; gnomAD exomes 0.00001 and 0.00002; ExAC 0.00002.
gnomAD v4.1: 20 of 1,604,176 alleles (0.0012%); highest among the groups gnomAD compares: South Asian, 0.019%; 1 homozygote.

Submissions (3):

Labcorp Genetics (formerly Invitae), Labcorp
Classification: Likely pathogenic. Last evaluated: 2026-01-12. Review status: criteria provided, single submitter. Criteria: Invitae Variant Classification Sherloc (09022015). Collection method: clinical testing. Allele origin: germline.
Comment: This sequence change affects an acceptor splice site in intron 6 of the WHRN gene. It is expected to disrupt RNA splicing. Variants that disrupt the donor or acceptor splice site typically lead to a loss of protein function (PMID: 16199547), and loss-of-function variants in WHRN are known to be pathogenic (PMID: 12833159, 15841483, 22147658). This variant is present in population databases (rs779760634, gnomAD 0.01%). This variant has not been reported in the literature in individuals affected with WHRN-related conditions. ClinVar contains an entry for this variant (Variation ID: 198565). Algorithms developed to predict the effect of sequence changes on RNA splicing suggest that this variant may disrupt the consensus splice site. In summary, the currently available evidence indicates that the variant is pathogenic, but additional data are needed to prove that conclusively. Therefore, this variant has been classified as Likely Pathogenic.

Fulgent Genetics
Classification: Likely pathogenic for Autosomal recessive nonsyndromic hearing loss 31; Usher syndrome type 2D. Last evaluated: 2024-03-26. Review status: criteria provided, single submitter. Criteria: ACMG Guidelines, 2015. Collection method: clinical testing. Allele origin: germline.

Eurofins Ntd Llc (ga)
Classification: Pathogenic. Last evaluated: 2014-08-19. Review status: criteria provided, single submitter. Criteria: EGL Classification Definitions 2015. Collection method: clinical testing. Allele origin: germline. Observed: 1 variant allele, 1 heterozygote.

Literature cited by the submitters: PubMed 16199547 (cited by Labcorp Genetics (formerly Invitae), Labcorp); PubMed 12833159 (cited by Labcorp Genetics (formerly Invitae), Labcorp); PubMed 15841483 (cited by Labcorp Genetics (formerly Invitae), Labcorp); PubMed 22147658 (cited by Labcorp Genetics (formerly Invitae), Labcorp).

NM_015404.4(WHRN):c.1417-1G>A

Gene: WHRN (whirlin; minus strand). Cytogenetic location: 9q32.
Variant type: single nucleotide variant.
Coding change: c.1417-1G>A on transcript NM_015404.4 (MANE Select); the canonical splice acceptor site of the intron before coding-DNA position 1417, G replaced by A.
Molecular consequence: splice acceptor variant.
Genome position (GRCh38, 1-based): chr9:114,423,524, C>T on the plus strand (G>A on the coding strand, the complement: WHRN is on the minus strand). VCF-style: chr9-114423524-C-T. GRCh37 (hg19) VCF-style: chr9-117185804-C-T.
Other names: c.1417-1G>A (NM_001173425.2); c.268-1G>A (NM_001083885.3); c.364-1G>A (NM_001346890.1).
Identifiers: ClinVar variation 198565 (VCV000198565.13), dbSNP rs779760634, ClinGen allele CA275406.